The following is an entry in ClinVar:

ClinVar aggregate classification (germline): Uncertain significance. Review status: criteria provided, multiple submitters, no conflicts (2 of 4 stars). 3 submissions from 2 submitters: Uncertain significance (3). Last evaluated 2025-03-03.

Conditions:
Histiocytic medullary reticulosis. Also called: SEVERE COMBINED IMMUNODEFICIENCY WITH HYPEREOSINOPHILIA; Omenn syndrome. Identifiers: Orphanet 39041, MedGen C2700553, MONDO:0011338, OMIM 603554.
Severe combined immunodeficiency, autosomal recessive, T cell-negative, B cell-negative, NK cell-positive. Also called: SCID, T CELL-NEGATIVE, B CELL-NEGATIVE, NK CELL-POSITIVE; SCID, AR, T-cell negative, B-cell negative, NK cell-positive; Severe combined immunodeficiency due to complete RAG1/2 deficiency. Identifiers: Orphanet 331206, MedGen C1832322, MONDO:0011086, OMIM 601457.
Combined immunodeficiency with skin granulomas. Identifiers: Orphanet 157949, MedGen C2673536, MONDO:0009306, OMIM 233650.

Allele frequency attached by ClinVar (database versions not stated): TOPMed 0.00002.

Submissions (3):

Labcorp Genetics (formerly Invitae), Labcorp
Classification: Uncertain significance for Combined immunodeficiency with skin granulomas; Severe combined immunodeficiency, autosomal recessive, T cell-negative, B cell-negative, NK cell-positive. Last evaluated: 2025-03-03. Review status: criteria provided, single submitter. Criteria: Invitae Variant Classification Sherloc (09022015). Collection method: clinical testing. Allele origin: germline.
Comment: This sequence change replaces arginine, which is basic and polar, with cysteine, which is neutral and slightly polar, at codon 247 of the RAG1 protein (p.Arg247Cys). This variant is present in population databases (rs147203889, gnomAD 0.01%). This variant has not been reported in the literature in individuals affected with RAG1-related conditions. ClinVar contains an entry for this variant (Variation ID: 304498). Invitae Evidence Modeling of protein sequence and biophysical properties (such as structural, functional, and spatial information, amino acid conservation, physicochemical variation, residue mobility, and thermodynamic stability) indicates that this missense variant is not expected to disrupt RAG1 protein function with a negative predictive value of 80%. In summary, the available evidence is currently insufficient to determine the role of this variant in disease. Therefore, it has been classified as a Variant of Uncertain Significance.

Illumina Laboratory Services, Illumina
Classification: Uncertain significance for Histiocytic medullary reticulosis. Last evaluated: 2018-01-12. Review status: criteria provided, single submitter. Criteria: ICSL Variant Classification Criteria 13 December 2019. Collection method: clinical testing. Allele origin: germline.

Illumina Laboratory Services, Illumina
Classification: Uncertain significance for Severe combined immunodeficiency, autosomal recessive, T cell-negative, B cell-negative, NK cell-positive. Last evaluated: 2018-01-12. Review status: criteria provided, single submitter. Criteria: ICSL Variant Classification Criteria 13 December 2019. Collection method: clinical testing. Allele origin: germline.

NM_000448.3(RAG1):c.739C>T (p.Arg247Cys)

Gene: RAG1 (recombination activating 1; plus strand). Cytogenetic location: 11p12.
Variant type: single nucleotide variant.
Coding change: c.739C>T on transcript NM_000448.3 (MANE Select); coding-DNA position 739, C replaced by T.
Protein change: p.Arg247Cys; replaces arginine 247 with cysteine.
Molecular consequence: missense variant.
Genome position (GRCh38, 1-based): chr11:36,574,043, C>T. VCF-style: chr11-36574043-C-T. GRCh37 (hg19) VCF-style: chr11-36595593-C-T.
Other names: c.739C>T, p.Arg247Cys (NM_001377277.1, NM_001377278.1, NM_001377279.1 and 1 more transcripts); short protein forms R247C.
Identifiers: ClinVar variation 304498 (VCV000304498.12), dbSNP rs147203889, ClinGen allele CA5950040.